The following is an entry in ClinVar:

NM_004260.4(RECQL4):c.3172C>T (p.Arg1058Cys)

Gene: RECQL4 (RecQ like helicase 4; minus strand). Cytogenetic location: 8q24.3.
Variant type: single nucleotide variant.
Coding change: c.3172C>T on transcript NM_004260.4 (MANE Select); coding-DNA position 3172, C replaced by T.
Protein change: p.Arg1058Cys; replaces arginine 1058 with cysteine.
Molecular consequence: missense variant.
Genome position (GRCh38, 1-based): chr8:144,512,208, G>A on the plus strand (C>T on the coding strand, the complement: RECQL4 is on the minus strand). VCF-style: chr8-144512208-G-A. GRCh37 (hg19) VCF-style: chr8-145737591-G-A.
Other names: short protein forms R1058C.
Identifiers: ClinVar variation 239759 (VCV000239759.8), dbSNP rs375297971, ClinGen allele CA4947900.

ClinVar aggregate classification (germline): Uncertain significance (1 of 4 stars; one submission).

Conditions:
Baller-Gerold syndrome (BGS). Also called: CRANIOSYNOSTOSIS WITH RADIAL DEFECTS. Identifiers: Orphanet 1225, MedGen C0265308, MONDO:0009039, OMIM 218600.

Allele frequency attached by ClinVar (database versions not stated): TOPMed 0.00002.
gnomAD v4.1: 14 of 1,612,206 alleles (0.00087%); highest among the groups gnomAD compares: East Asian, 0.011%; no homozygotes.

Submission:

Labcorp Genetics (formerly Invitae), Labcorp
Classification: Uncertain significance for Baller-Gerold syndrome. Last evaluated: 2025-12-24. Review status: criteria provided, single submitter. Criteria: Invitae Variant Classification Sherloc (09022015). Collection method: clinical testing. Allele origin: germline.
Comment: This sequence change replaces arginine, which is basic and polar, with cysteine, which is neutral and slightly polar, at codon 1058 of the RECQL4 protein (p.Arg1058Cys). This variant is present in population databases (rs375297971, gnomAD 0.01%). This variant has not been reported in the literature in individuals affected with RECQL4-related conditions. ClinVar contains an entry for this variant (Variation ID: 239759). Invitae Evidence Modeling of protein sequence and biophysical properties (such as structural, functional, and spatial information, amino acid conservation, physicochemical variation, residue mobility, and thermodynamic stability) indicates that this missense variant is not expected to disrupt RECQL4 protein function with a negative predictive value of 80%. In summary, the available evidence is currently insufficient to determine the role of this variant in disease. Therefore, it has been classified as a Variant of Uncertain Significance.